The following is an entry in ClinVar:

NM_000435.3(NOTCH3):c.*845G>T

Gene: NOTCH3 (notch receptor 3; minus strand). Cytogenetic location: 19p13.12.
Variant type: single nucleotide variant.
Coding change: c.*845G>T on transcript NM_000435.3 (MANE Select); 845 bases downstream of the stop codon, G replaced by T.
Molecular consequence: 3 prime UTR variant.
Genome position (GRCh38, 1-based): chr19:15,159,817, C>A on the plus strand (G>T on the coding strand, the complement: NOTCH3 is on the minus strand). VCF-style: chr19-15159817-C-A. GRCh37 (hg19) VCF-style: chr19-15270628-C-A.
Identifiers: ClinVar variation 328358 (VCV000328358.5), dbSNP rs571584841, ClinGen allele CA10652273.

ClinVar aggregate classification (germline): Benign (1 of 4 stars; one submission).

Conditions:
Cerebral arteriopathy, autosomal dominant, with subcortical infarcts and leukoencephalopathy, type 1 (CADASIL1). Also called: CADASIL 1; Cerebral arteriopathy with subcortical infarcts and leukoencephalopathy 1; CASIL; DEMENTIA, HEREDITARY MULTIINFARCT TYPE. Identifiers: Orphanet 136, MedGen C4551768, MONDO:0000914, OMIM 125310.

Allele frequency attached by ClinVar (database versions not stated): gnomAD 0.00119 and 0.00123; gnomAD exomes 0.00027; 1000 Genomes Project 30x 0.00125; TOPMed 0.00139; 1000 Genomes Project 0.00120.
gnomAD v4.1: 202 of 233,598 alleles (0.086%); highest among the groups gnomAD compares: African/African-American, 0.42%; 1 homozygote.

Submission:

Illumina Laboratory Services, Illumina
Classification: Benign for Cerebral arteriopathy, autosomal dominant, with subcortical infarcts and leukoencephalopathy, type 1. Last evaluated: 2018-01-13. Review status: criteria provided, single submitter. Criteria: ICSL Variant Classification Criteria 13 December 2019. Collection method: clinical testing. Allele origin: germline.
Comment: This variant was observed in the ICSL laboratory as part of a predisposition screen in an ostensibly healthy population. It had not been previously curated by ICSL or reported in the Human Gene Mutation Database (HGMD: prior to June 1st, 2018), and was therefore a candidate for classification through an automated scoring system. Utilizing variant allele frequency, disease prevalence and penetrance estimates, and inheritance mode, an automated score was calculated to assess if this variant is too frequent to cause the disease. Based on the score and internal cut-off values, a variant classified as benign is not then subjected to further curation. The score for this variant resulted in a classification of benign for this disease.